The following is an entry in ClinVar:

ClinVar aggregate classification (germline): Uncertain significance (1 of 4 stars; one submission).

Submission:

Labcorp Genetics (formerly Invitae), Labcorp
Classification: Uncertain significance. Last evaluated: 2025-12-10. Review status: criteria provided, single submitter. Criteria: Invitae Variant Classification Sherloc (09022015). Collection method: clinical testing. Allele origin: germline.
Comment: This sequence change replaces leucine, which is neutral and non-polar, with proline, which is neutral and non-polar, at codon 1383 of the VCAN protein (p.Leu1383Pro). This variant is not present in population databases (gnomAD no frequency). This variant has not been reported in the literature in individuals affected with VCAN-related conditions. An algorithm developed to predict the effect of missense changes on protein structure and function outputs the following: PolyPhen-2: "Benign". The proline amino acid residue is found in multiple mammalian species, which suggests that this missense change does not adversely affect protein function. In summary, the available evidence is currently insufficient to determine the role of this variant in disease. Therefore, it has been classified as a Variant of Uncertain Significance.

NM_004385.5(VCAN):c.4148T>C (p.Leu1383Pro)

Genes: VCAN (versican; plus strand), VCAN-AS1 (VCAN antisense RNA 1; minus strand). Cytogenetic location: 5q14.3.
Variant type: single nucleotide variant.
Coding change: c.4148T>C on transcript NM_004385.5 (MANE Select); coding-DNA position 4148, T replaced by C.
Protein change: p.Leu1383Pro; replaces leucine 1383 with proline.
Molecular consequence: missense variant. On other transcripts: intron variant (2).
Genome position (GRCh38, 1-based): chr5:83,537,151, T>C. VCF-style: chr5-83537151-T-C. GRCh37 (hg19) VCF-style: chr5-82832970-T-C.
Other names: c.1187T>C, p.Leu396Pro (NM_001164097.2); c.4004-8386T>C (NM_001164098.2); c.1043-8386T>C (NM_001126336.3); short protein forms L1383P, L396P.
Identifiers: ClinVar variation 4798070 (VCV004798070.1).
Genomic context (GRCh38, chr5:83,537,151, plus strand): 5'-CAGTGCATGATCTAATGGCTGAAATTTTACCTGAATTCCCTGACATAATTGAAATAGACC[T>C]ATACCACAGTGAAGAAAATGAAGAAGAAGAAGAAGAGTGTGCAAATGCTACTGATGTGAC-3'
Protein context (NP_004376.2, residues 1373-1393): PEFPDIIEID[Leu1383Pro]YHSEENEEEE